The following is an entry in ClinVar:

ClinVar aggregate classification (germline): Benign. Review status: criteria provided, multiple submitters, no conflicts (2 of 4 stars). 14 submissions from 13 submitters: Benign (9). 5 of the submissions do not count toward it. Last evaluated 2026-02-03.

Conditions:
Emery-Dreifuss muscular dystrophy 4, autosomal dominant (EDMD4). Also called: EMERY-DREIFUSS MUSCULAR DYSTROPHY 4 WITH VARIABLE FEATURES. Identifiers: Orphanet 261, MedGen C2751807, MONDO:0013071, OMIM 612998.
Autosomal recessive ataxia, Beauce type. Also called: SYNE1 Deficiency; Spinocerebellar ataxia, autosomal recessive 8; ATAXIA, RECESSIVE, OF BEAUCE; SYNE1-Related Autosomal Recessive Cerebellar Ataxia. Identifiers: Orphanet 88644, MedGen C1853116, MONDO:0012549, OMIM 610743.

Allele frequency attached by ClinVar (database versions not stated): gnomAD exomes 0.33663 and 0.36420; ExAC 0.35922; gnomAD 0.36980 and 0.37011; ESP Exome Variant Server 0.37360; TOPMed 0.39334; 1000 Genomes Project 0.39936; 1000 Genomes Project 30x 0.40522.
gnomAD v4.1: 548,921 of 1,612,836 alleles (34%); highest among the groups gnomAD compares: Admixed American, 50%; 95,907 homozygotes.

Submissions (14):

Labcorp Genetics (formerly Invitae), Labcorp
Classification: Benign for Emery-Dreifuss muscular dystrophy 4, autosomal dominant; Autosomal recessive ataxia, Beauce type. Last evaluated: 2026-02-03. Review status: criteria provided, single submitter. Criteria: Invitae Variant Classification Sherloc (09022015). Collection method: clinical testing. Allele origin: germline.

Blueprint Genetics
Classification: Benign. Last evaluated: 2024-11-27. Review status: criteria provided, single submitter. Criteria: ACMG Guidelines, 2015. Collection method: clinical testing. Allele origin: germline.

Athena Diagnostics
Classification: Benign. Last evaluated: 2018-11-02. Review status: criteria provided, single submitter. Criteria: Athena Diagnostics Criteria. Collection method: clinical testing. Allele origin: germline.

Illumina Laboratory Services, Illumina
Classification: Benign for Emery-Dreifuss muscular dystrophy 4, autosomal dominant. Last evaluated: 2018-01-12. Review status: criteria provided, single submitter. Criteria: ICSL Variant Classification Criteria 13 December 2019. Collection method: clinical testing. Allele origin: germline.
Comment: This variant was observed in the ICSL laboratory as part of a predisposition screen in an ostensibly healthy population. It had not been previously curated by ICSL or reported in the Human Gene Mutation Database (HGMD: prior to June 1st, 2018), and was therefore a candidate for classification through an automated scoring system. Utilizing variant allele frequency, disease prevalence and penetrance estimates, and inheritance mode, an automated score was calculated to assess if this variant is too frequent to cause the disease. Based on the score and internal cut-off values, a variant classified as benign is not then subjected to further curation. The score for this variant resulted in a classification of benign for this disease.

Illumina Laboratory Services, Illumina
Classification: Benign for Autosomal recessive ataxia, Beauce type. Last evaluated: 2018-01-12. Review status: criteria provided, single submitter. Criteria: ICSL Variant Classification Criteria 13 December 2019. Collection method: clinical testing. Allele origin: germline.
Comment: the same text as in the submission from Illumina Laboratory Services, Illumina above.

Mayo Clinic Laboratories, Mayo Clinic
Classification: Benign. Last evaluated: 2017-07-25. Review status: criteria provided, single submitter. Criteria: ACMG Guidelines, 2015. Collection method: clinical testing. Allele origin: germline. Observed: 684 variant alleles.

Eurofins Ntd Llc (ga)
Classification: Benign. Last evaluated: 2017-03-09. Review status: criteria provided, single submitter. Criteria: EGL Classification Definitions 2015. Collection method: clinical testing. Allele origin: germline. Observed: 4 variant alleles, 4 heterozygotes.

PreventionGenetics, part of Exact Sciences
Classification: Benign. Last evaluated: 2016-02-20. Review status: criteria provided, single submitter. Criteria: ACMG Guidelines, 2015. Collection method: clinical testing. Allele origin: germline.

GeneDx
Classification: Benign. Last evaluated: 2015-03-03. Review status: criteria provided, single submitter. Criteria: GeneDx Variant Classification Process June 2021. Collection method: clinical testing. Allele origin: germline. Affected: yes.

Clinical Genetics DNA and cytogenetics Diagnostics Lab, Erasmus MC, Erasmus Medical Center
Classification: Benign. Review status: no assertion criteria provided. Collection method: clinical testing. Allele origin: germline. Affected: yes. Study: VKGL Data-share Consensus. Not counted in ClinVar's aggregate classification.

Clinical Genetics, Academic Medical Center
Classification: Benign. Review status: no assertion criteria provided. Collection method: clinical testing. Allele origin: germline. Affected: yes. Study: VKGL Data-share Consensus. Not counted in ClinVar's aggregate classification.

Diagnostic Laboratory, Department of Genetics, University Medical Center Groningen
Classification: Benign. Review status: no assertion criteria provided. Collection method: clinical testing. Allele origin: germline. Affected: yes. Study: VKGL Data-share Consensus. Not counted in ClinVar's aggregate classification.

Genetic Services Laboratory, University of Chicago
Classification: Likely benign for AllHighlyPenetrant. Review status: no assertion criteria provided. Collection method: clinical testing. Allele origin: germline. Inheritance: Autosomal dominant inheritance. Not counted in ClinVar's aggregate classification.
Comment: Likely benign based on allele frequency in 1000 Genomes Project or ESP global frequency and its presence in a patient with a rare or unrelated disease phenotype. NOT Sanger confirmed.

Joint Genome Diagnostic Labs from Nijmegen and Maastricht, Radboudumc and MUMC+
Classification: Benign. Review status: no assertion criteria provided. Collection method: clinical testing. Allele origin: germline. Affected: yes. Study: VKGL Data-share Consensus. Not counted in ClinVar's aggregate classification.

NM_182961.4(SYNE1):c.24968G>C (p.Gly8323Ala)

Gene: SYNE1 (spectrin repeat containing nuclear envelope protein 1; minus strand). Cytogenetic location: 6q25.2.
Variant type: single nucleotide variant.
Coding change: c.24968G>C on transcript NM_182961.4 (MANE Select); coding-DNA position 24968, G replaced by C.
Protein change: p.Gly8323Ala; replaces glycine 8323 with alanine.
Molecular consequence: missense variant.
Genome position (GRCh38, 1-based): chr6:152,148,053, C>G on the plus strand (G>C on the coding strand, the complement: SYNE1 is on the minus strand). VCF-style: chr6-152148053-C-G. GRCh37 (hg19) VCF-style: chr6-152469188-C-G.
Other names: p.Gly8252Ala; c.1574G>C, p.Gly525Ala (NM_001347701.2); c.1433G>C, p.Gly478Ala (NM_001347702.2); c.24755G>C, p.Gly8252Ala (NM_033071.5); short protein forms G8252A, G8323A, G478A, G525A.
Identifiers: ClinVar variation 130428 (VCV000130428.34), dbSNP rs2252755, ClinGen allele CA155431.